The following is an entry in ClinVar:

ClinVar aggregate classification (germline): Conflicting classifications of pathogenicity. Review status: criteria provided, conflicting classifications (1 of 4 stars). 3 submissions from 2 submitters: Uncertain significance (2); Likely benign (1). Last evaluated 2023-04-01.

Conditions:
Frontotemporal dementia and/or amyotrophic lateral sclerosis 6 (FTDALS6). Also called: VCP-Related Amyotrophic Lateral Sclerosis; VCP-Related Amyotrophic Lateral Sclerosis/Frontotemporal Dementia. Identifiers: Orphanet 275872, Orphanet 803, MedGen C5436279, MONDO:0013501, OMIM 613954.
Inclusion body myopathy with Paget disease of bone and frontotemporal dementia type 1. Also called: Inclusion body myopathy with early-onset Paget disease with or without frontotemporal dementia 1; MULTISYSTEM PROTEINOPATHY 1; Inclusion body myopathy with early-onset Paget disease and frontotemporal dementia 1. Identifiers: MedGen C4551951, MONDO:0008178, OMIM 167320.

Allele frequency attached by ClinVar (database versions not stated): 1000 Genomes Project 0.00060; gnomAD 0.00171 and 0.00195; TOPMed 0.00186.

Submissions (3):

CeGaT Center for Human Genetics Tuebingen
Classification: Likely benign. Last evaluated: 2023-04-01. Review status: criteria provided, single submitter. Criteria: CeGaT Center For Human Genetics Tuebingen Variant Classification Criteria Version 2. Collection method: clinical testing. Allele origin: germline. Affected: yes. Observed: 7 variant alleles.
Comment: VCP: BS1

Illumina Laboratory Services, Illumina
Classification: Uncertain significance for Frontotemporal dementia and/or amyotrophic lateral sclerosis 6. Last evaluated: 2018-01-13. Review status: criteria provided, single submitter. Criteria: ICSL Variant Classification Criteria 13 December 2019. Collection method: clinical testing. Allele origin: germline.

Illumina Laboratory Services, Illumina
Classification: Uncertain significance for Inclusion body myopathy with Paget disease of bone and frontotemporal dementia type 1. Last evaluated: 2018-01-13. Review status: criteria provided, single submitter. Criteria: ICSL Variant Classification Criteria 13 December 2019. Collection method: clinical testing. Allele origin: germline.

NM_007126.5(VCP):c.*1040T>C

Gene: VCP (valosin containing protein; minus strand). Cytogenetic location: 9p13.3.
Variant type: single nucleotide variant.
Coding change: c.*1040T>C on transcript NM_007126.5 (MANE Select); 1040 bases downstream of the stop codon, T replaced by C.
Molecular consequence: 3 prime UTR variant.
Genome position (GRCh38, 1-based): chr9:35,056,077, A>G on the plus strand (T>C on the coding strand, the complement: VCP is on the minus strand). VCF-style: chr9-35056077-A-G. GRCh37 (hg19) VCF-style: chr9-35056074-A-G.
Other names: c.*1040T>C (NM_001354927.2, NM_001354928.2).
Identifiers: ClinVar variation 912607 (VCV000912607.35), dbSNP rs188935092, ClinGen allele CA192695224.